The following is an entry in ClinVar:

ClinVar aggregate classification (germline): Likely benign. Review status: criteria provided, multiple submitters, no conflicts (2 of 4 stars). 4 submissions from 4 submitters: Likely benign (4). Last evaluated 2025-10-26.

Conditions:
X-linked intellectual disability, Cantagrel type (XLID98). Also called: INTELLECTUAL DEVELOPMENTAL DISORDER, X-LINKED 98. Identifiers: Orphanet 85277, MedGen C3806730, MONDO:0010483, OMIM 300912.

Allele frequency attached by ClinVar (database versions not stated): TOPMed 0.00005; gnomAD 0.00006 and 0.00007; ESP Exome Variant Server 0.00009; gnomAD exomes 0.00011 and 0.00016; ExAC 0.00014.
gnomAD v4.1: 176 of 1,209,527 alleles (0.015%); highest among the groups gnomAD compares: Non-Finnish European, 0.019%; no homozygotes.

Submissions (4):

Labcorp Genetics (formerly Invitae), Labcorp
Classification: Likely benign. Last evaluated: 2025-10-26. Review status: criteria provided, single submitter. Criteria: Invitae Variant Classification Sherloc (09022015). Collection method: clinical testing. Allele origin: germline.

Blueprint Genetics
Classification: Likely benign. Last evaluated: 2023-09-21. Review status: criteria provided, single submitter. Criteria: ACMG Guidelines, 2015. Collection method: clinical testing. Allele origin: germline.

Center for Genomics, Ann and Robert H. Lurie Children's Hospital of Chicago
Classification: Likely benign for X-linked intellectual disability, Cantagrel type. Last evaluated: 2022-10-21. Review status: criteria provided, single submitter. Criteria: ACMG Guidelines, 2015. Collection method: clinical testing. Allele origin: germline.
Comment: This variant has not been reported in the literature but is present in the Genome Aggregation Database (Highest reported MAF 0.01% (6/53144) including 2 hemizygotes. This variant is present in ClinVar, with multiple labs classifying this variant as Likely Benign (Variation ID:435594). Evolutionary conservation and computational predictive tools for this variant are limited or unavailable. Of note, this variant is a silent variant and does not change the amino acid, reducing the probability that this variant is disease causing. In summary, data on this variant suggests that this variant does not cause disease but requires further evidence. Therefore, this variant is classified as likely benign.

Genetic Services Laboratory, University of Chicago
Classification: Likely benign. Last evaluated: 2015-11-16. Review status: criteria provided, single submitter. Criteria: ACMG Guidelines, 2015. Collection method: clinical testing. Allele origin: germline. Affected: no.

NM_001008537.3(NEXMIF):c.4338G>A (p.Lys1446=)

Gene: NEXMIF (neurite extension and migration factor; minus strand). Cytogenetic location: Xq13.3.
Variant type: single nucleotide variant.
Coding change: c.4338G>A on transcript NM_001008537.3 (MANE Select); coding-DNA position 4338, G replaced by A.
Protein change: p.Lys1446=; no amino-acid change (lysine 1446 retained).
Molecular consequence: synonymous variant.
Genome position (GRCh38, 1-based): chrX:74,740,219, C>T on the plus strand (G>A on the coding strand, the complement: NEXMIF is on the minus strand). VCF-style: chrX-74740219-C-T. GRCh37 (hg19) VCF-style: chrX-73960054-C-T.
Identifiers: ClinVar variation 435594 (VCV000435594.18), dbSNP rs200805356, ClinGen allele CA10454841.